The following is an entry in ClinVar:

NM_002528.7(NTHL1):c.9C>T (p.Ala3=)

Gene: NTHL1 (nth like DNA glycosylase 1; minus strand). Cytogenetic location: 16p13.3.
Variant type: single nucleotide variant.
Coding change: c.9C>T on transcript NM_002528.7 (MANE Select); coding-DNA position 9, C replaced by T.
Protein change: p.Ala3=; no amino-acid change (alanine 3 retained).
Molecular consequence: synonymous variant. On other transcripts: 5 prime UTR variant (1).
Genome position (GRCh38, 1-based): chr16:2,047,815, G>A on the plus strand (C>T on the coding strand, the complement: NTHL1 is on the minus strand). VCF-style: chr16-2047815-G-A. GRCh37 (hg19) VCF-style: chr16-2097816-G-A.
Other names: c.9C>T, p.Ala3= (NM_001318193.2); c.-170C>T (NM_001318194.2).
Identifiers: ClinVar variation 669126 (VCV000669126.22), dbSNP rs765855021, ClinGen allele CA027699.
Genomic context (GRCh38, chr16:2,047,815, plus strand): 5'-CCCCCGCGGCCCAGCCCCGGGTCCCAGGCTCCGGCTCCGGGTCAGCATCCTCGCGCTCAA[G>A]GCGGTCATGCCGGACTCCTGCGGACTACACATCCCGGCGGCCCATGCGGCCCCGTCACGT-3'
Protein context (NP_002519.2, residues 1-13): MT[Ala3=]LSARMLTRSR

ClinVar aggregate classification (germline): Likely benign. Review status: criteria provided, multiple submitters, no conflicts (2 of 4 stars). 7 submissions from 7 submitters: Likely benign (6). 1 of the submissions does not count toward it. Last evaluated 2025-12-10.

Conditions:
NTHL1-related disorder. Also called: NTHL1-related conditions; NTHL1-related condition.
Familial adenomatous polyposis 3. Also called: NTHL1-Related Adenomatous Polyposis and Colorectal Cancer; NTHL1-associated polyposis; NTHL1-related attenuated familial adenomatous polyposis; NTHL1 Tumor Syndrome. Identifiers: Orphanet 220460, Orphanet 454840, MedGen C4225157, MONDO:0014630, OMIM 616415.
Hereditary cancer-predisposing syndrome. Also called: Tumor predisposition; Neoplastic Syndromes, Hereditary; Hereditary Cancer Syndrome; Hereditary neoplastic syndrome. Identifiers: Orphanet 140162, MedGen C0027672, MeSH D009386, MONDO:0015356.

Allele frequency attached by ClinVar (database versions not stated): TOPMed 0.00002; gnomAD 0.00003 and 0.00004; gnomAD exomes 0.00005 and 0.00011; ExAC 0.00029.
gnomAD v4.1: 90 of 1,593,736 alleles (0.0056%); highest among the groups gnomAD compares: Non-Finnish European, 0.0038%; no homozygotes.

Submissions (7):

Labcorp Genetics (formerly Invitae), Labcorp
Classification: Likely benign. Last evaluated: 2025-12-10. Review status: criteria provided, single submitter. Criteria: Invitae Variant Classification Sherloc (09022015). Collection method: clinical testing. Allele origin: germline.

Center for Genomic Medicine, Rigshospitalet, Copenhagen University Hospital
Classification: Likely benign. Last evaluated: 2025-03-04. Review status: criteria provided, single submitter. Criteria: ACMG Guidelines, 2015. Collection method: clinical testing. Allele origin: germline.

Department of Pathology and Laboratory Medicine, Sinai Health System
Classification: Likely benign for Familial adenomatous polyposis 3. Last evaluated: 2024-07-09. Review status: criteria provided, single submitter. Criteria: ACMG Guidelines, 2015. Collection method: clinical testing. Allele origin: germline.

Quest Diagnostics Nichols Institute San Juan Capistrano
Classification: Likely benign. Last evaluated: 2022-11-08. Review status: criteria provided, single submitter. Criteria: Quest Diagnostics criteria. Collection method: clinical testing. Allele origin: unknown.

Ambry Genetics
Classification: Likely benign for Hereditary cancer-predisposing syndrome. Last evaluated: 2020-10-15. Review status: criteria provided, single submitter. Criteria: Ambry Variant Classification Scheme 2023. Collection method: clinical testing. Allele origin: germline.

GeneDx
Classification: Likely benign. Last evaluated: 2018-05-25. Review status: criteria provided, single submitter. Criteria: GeneDx Variant Classification (06012015). Collection method: clinical testing. Allele origin: germline. Affected: yes.
Comment: This variant is considered likely benign or benign based on one or more of the following criteria: it is a conservative change, it occurs at a poorly conserved position in the protein, it is predicted to be benign by multiple in silico algorithms, and/or has population frequency not consistent with disease.

PreventionGenetics, part of Exact Sciences
Classification: Likely benign for NTHL1-related condition. Last evaluated: 2022-06-19. Review status: no assertion criteria provided. Collection method: clinical testing. Allele origin: germline. Not counted in ClinVar's aggregate classification.
Comment: This variant is classified as likely benign based on ACMG/AMP sequence variant interpretation guidelines (Richards et al. 2015 PMID: 25741868, with internal and published modifications).